The following is an entry in ClinVar:

NM_006206.6(PDGFRA):c.1958C>T (p.Pro653Leu)

Gene: PDGFRA (platelet derived growth factor receptor alpha; plus strand). Cytogenetic location: 4q12.
Variant type: single nucleotide variant.
Coding change: c.1958C>T on transcript NM_006206.6 (MANE Select); coding-DNA position 1958, C replaced by T.
Protein change: p.Pro653Leu; replaces proline 653 with leucine.
Molecular consequence: missense variant.
Genome position (GRCh38, 1-based): chr4:54,277,962, C>T. VCF-style: chr4-54277962-C-T. GRCh37 (hg19) VCF-style: chr4-55144129-C-T.
Other names: c.1958C>T, p.Pro653Leu (NM_001347827.2, NM_001347829.2); c.2033C>T, p.Pro678Leu (NM_001347828.2); c.1997C>T, p.Pro666Leu (NM_001347830.2); short protein forms P666L, P678L, P653L.
Identifiers: ClinVar variation 3720576 (VCV003720576.2).

ClinVar aggregate classification (germline): Uncertain significance (1 of 4 stars; one submission).

Conditions:
Gastrointestinal stromal tumor. Also called: Gastrointestinal stromal tumor, somatic; Gastrointestinal stroma tumor. Identifiers: Orphanet 44890, MedGen C0238198, MeSH D046152, MONDO:0011719, OMIM 606764, HP:0100723.

Submission:

Labcorp Genetics (formerly Invitae), Labcorp
Classification: Uncertain significance for Gastrointestinal stromal tumor. Last evaluated: 2024-03-28. Review status: criteria provided, single submitter. Criteria: Invitae Variant Classification Sherloc (09022015). Collection method: clinical testing. Allele origin: germline.
Comment: This sequence change replaces proline, which is neutral and non-polar, with leucine, which is neutral and non-polar, at codon 653 of the PDGFRA protein (p.Pro653Leu). This variant is not present in population databases (gnomAD no frequency). This missense change has been observed in individual(s) with PDGFRA-mutant syndrome (PMID: 25975287). It has also been observed to segregate with disease in related individuals. Advanced modeling of protein sequence and biophysical properties (such as structural, functional, and spatial information, amino acid conservation, physicochemical variation, residue mobility, and thermodynamic stability) has been performed at Invitae for this missense variant, however the output from this modeling did not meet the statistical confidence thresholds required to predict the impact of this variant on PDGFRA protein function. In summary, the available evidence is currently insufficient to determine the role of this variant in disease. Therefore, it has been classified as a Variant of Uncertain Significance.

Literature cited by the submitters: PubMed 25975287.